The following is an entry in ClinVar:

NM_002439.5(MSH3):c.3350A>G (p.Gln1117Arg)

Gene: MSH3 (mutS homolog 3; plus strand). Cytogenetic location: 5q14.1.
Variant type: single nucleotide variant.
Coding change: c.3350A>G on transcript NM_002439.5 (MANE Select); coding-DNA position 3350, A replaced by G.
Protein change: p.Gln1117Arg; replaces glutamine 1117 with arginine.
Molecular consequence: missense variant.
Genome position (GRCh38, 1-based): chr5:80,875,798, A>G. VCF-style: chr5-80875798-A-G. GRCh37 (hg19) VCF-style: chr5-80171617-A-G.
Other names: short protein forms Q1117R.
Identifiers: ClinVar variation 661863 (VCV000661863.24), dbSNP rs946137864, ClinGen allele CA121753334.

ClinVar aggregate classification (germline): Conflicting classifications of pathogenicity. Review status: criteria provided, conflicting classifications (1 of 4 stars). 7 submissions from 7 submitters: Uncertain significance (6); Likely benign (1). Last evaluated 2026-08-02.

Conditions:
Hereditary cancer-predisposing syndrome. Also called: Tumor predisposition; Hereditary neoplastic syndrome; Hereditary Cancer Syndrome; Neoplastic Syndromes, Hereditary. Identifiers: Orphanet 140162, MedGen C0027672, MeSH D009386, MONDO:0015356.
MSH3-related disorder. Also called: MSH3-related condition.
Endometrial carcinoma. Also called: Endometrial carcinoma, somatic. Identifiers: MedGen C0476089, MONDO:0002447, OMIM 608089, HP:0012114.

Allele frequency attached by ClinVar (database versions not stated): gnomAD exomes below 0.00001 and 0.00002; gnomAD 0.00013 and 0.00014; TOPMed 0.00019.
gnomAD v4.1: 32 of 1,613,938 alleles (0.002%); highest among the groups gnomAD compares: Admixed American, 0.04%; no homozygotes.

Submissions (7):

PreventionGenetics, part of Exact Sciences
Classification: Uncertain significance for MSH3-related condition. Last evaluated: 2026-08-02. Review status: criteria provided, single submitter. Criteria: ACMG Guidelines, 2015. Collection method: clinical testing. Allele origin: germline.
Comment: The MSH3 c.3350A>G variant is predicted to result in the amino acid substitution p.Gln1117Arg. To our knowledge, this variant has not been reported in the literature. This variant is reported in 0.0085% of alleles in individuals of Latino descent in gnomAD. This variant has conflicting interpretations in ClinVar ranging from uncertain to likely benign (Variation ID: 661863). At this time, the clinical significance of this variant is uncertain due to the absence of conclusive functional and genetic evidence.

Labcorp Genetics (formerly Invitae), Labcorp
Classification: Uncertain significance. Last evaluated: 2026-01-31. Review status: criteria provided, single submitter. Criteria: Invitae Variant Classification Sherloc (09022015). Collection method: clinical testing. Allele origin: germline.
Comment: This sequence change replaces glutamine, which is neutral and polar, with arginine, which is basic and polar, at codon 1117 of the MSH3 protein (p.Gln1117Arg). This variant is present in population databases (no rsID available, gnomAD 0.009%). This variant has not been reported in the literature in individuals affected with MSH3-related conditions. ClinVar contains an entry for this variant (Variation ID: 661863). An algorithm developed to predict the effect of missense changes on protein structure and function (PolyPhen-2) suggests that this variant is likely to be tolerated. In summary, the available evidence is currently insufficient to determine the role of this variant in disease. Therefore, it has been classified as a Variant of Uncertain Significance.

Quest Diagnostics Nichols Institute San Juan Capistrano
Classification: Uncertain significance. Last evaluated: 2025-03-10. Review status: criteria provided, single submitter. Criteria: Quest Diagnostics criteria. Collection method: clinical testing. Allele origin: unknown.
Comment: The MSH3 c.3350A>G (p.Gln1117Arg) variant has not been reported in individuals with MSH3-related conditions in the published literature. The frequency of this variant in the general population, 0.000085 (3/35408 chromosomes), is uninformative in assessment of its pathogenicity. Analysis of this variant using bioinformatics tools for the prediction of the effect of amino acid changes on protein structure and function yielded predictions that this variant is benign. Based on the available information, we are unable to determine the clinical significance of this variant.

Ambry Genetics
Classification: Likely benign for Hereditary cancer-predisposing syndrome. Last evaluated: 2024-04-02. Review status: criteria provided, single submitter. Criteria: Ambry Variant Classification Scheme 2023. Collection method: clinical testing. Allele origin: germline.

Baylor Genetics
Classification: Uncertain significance for Endometrial carcinoma. Last evaluated: 2024-03-29. Review status: criteria provided, single submitter. Criteria: ACMG Guidelines, 2015. Collection method: clinical testing. Allele origin: unknown.

GeneDx
Classification: Uncertain significance. Last evaluated: 2024-02-27. Review status: criteria provided, single submitter. Criteria: GeneDx Variant Classification Process June 2021. Collection method: clinical testing. Allele origin: germline. Affected: yes.
Comment: Not observed at significant frequency in large population cohorts (gnomAD); In silico analysis supports that this missense variant does not alter protein structure/function; Has not been previously published as pathogenic or benign to our knowledge

Sema4
Classification: Uncertain significance for Hereditary cancer-predisposing syndrome. Last evaluated: 2022-01-06. Review status: criteria provided, single submitter. Criteria: Sema4 Curation Guidelines. Collection method: curation. Allele origin: germline.
Comment: The MSH3 c.3350A>G (p.Q1117R) variant has not been reported in the literature to our knowledge. This variant was observed 3/35408 chromosomes in the Latino population according to the Genome Aggregation Database (PMID: 32461654). This variant has been reported in ClinVar (Variation ID: 661863). Functional studies have not been performed, and in silico predictions of the variant's effect on protein function are inconclusive. The overall evidence is insufficient to meet ACMG/AMP criteria for classifying it as benign or pathogenic. In summary, the clinical significance of this variant is currently uncertain.